The following is an entry in ClinVar:

ClinVar aggregate classification (germline): Uncertain significance (1 of 4 stars; one submission).

Conditions:
Hypoplastic left heart syndrome. Also called: Hypoplastic left ventricle; Hypoplastic left heart. Identifiers: Orphanet 2248, MedGen C0152101, MONDO:0004933, HP:0004383.

Allele frequency attached by ClinVar (database versions not stated): gnomAD 0.00001; TOPMed 0.00002.

Submission:

Labcorp Genetics (formerly Invitae), Labcorp
Classification: Uncertain significance for Hypoplastic left heart syndrome. Last evaluated: 2025-02-18. Review status: criteria provided, single submitter. Criteria: Invitae Variant Classification Sherloc (09022015). Collection method: clinical testing. Allele origin: germline.
Comment: This sequence change replaces glycine, which is neutral and non-polar, with arginine, which is basic and polar, at codon 79 of the HAND1 protein (p.Gly79Arg). This variant is not present in population databases (gnomAD no frequency). This variant has not been reported in the literature in individuals affected with HAND1-related conditions. ClinVar contains an entry for this variant (Variation ID: 2964424). An algorithm developed to predict the effect of missense changes on protein structure and function (PolyPhen-2) suggests that this variant is likely to be tolerated. In summary, the available evidence is currently insufficient to determine the role of this variant in disease. Therefore, it has been classified as a Variant of Uncertain Significance.

NM_004821.3(HAND1):c.235G>C (p.Gly79Arg)

Gene: HAND1 (heart and neural crest derivatives expressed 1; minus strand). Cytogenetic location: 5q33.2.
Variant type: single nucleotide variant.
Coding change: c.235G>C on transcript NM_004821.3 (MANE Select); coding-DNA position 235, G replaced by C.
Protein change: p.Gly79Arg; replaces glycine 79 with arginine.
Molecular consequence: missense variant.
Genome position (GRCh38, 1-based): chr5:154,477,774, C>G on the plus strand (G>C on the coding strand, the complement: HAND1 is on the minus strand). VCF-style: chr5-154477774-C-G. GRCh37 (hg19) VCF-style: chr5-153857334-C-G.
Other names: short protein forms G79R.
Identifiers: ClinVar variation 2964424 (VCV002964424.3), dbSNP rs1176090594, ClinGen allele CA361923053.